The following is an entry in ClinVar:

ClinVar aggregate classification (germline): Benign/Likely benign. Review status: criteria provided, multiple submitters, no conflicts (2 of 4 stars). 4 submissions from 3 submitters: Benign (1); Likely benign (3). Last evaluated 2024-10-23.

Conditions:
Familial dysfibrinogenemia. Also called: Dysfibrinogenemia, congenital. Identifiers: Orphanet 335, Orphanet 98881, MedGen C0272350, MONDO:0014452, OMIM 616004.
Congenital afibrinogenemia. Identifiers: Orphanet 335, Orphanet 98880, MedGen C2584774, MONDO:0008737, OMIM 202400.
Familial visceral amyloidosis, Ostertag type (AMYLD2). Also called: Amyloidosis, hepatic and systemic; AMYLOIDOSIS VIII; Hereditary Renal Amyloidosis; AMYLOIDOSIS, HEREDITARY SYSTEMIC 2; Ostertag type amyloidosis; Familial visceral amyloidosis. Identifiers: Orphanet 85450, MedGen C0268389, MONDO:0007099, OMIM 105200.

Allele frequency attached by ClinVar (database versions not stated): ESP Exome Variant Server 0.00008; gnomAD exomes 0.00021 and 0.00089; gnomAD 0.00031 and 0.00046; TOPMed 0.00048; ExAC 0.00067; 1000 Genomes Project 0.00359; 1000 Genomes Project 30x 0.00406.
gnomAD v4.1: 456 of 1,614,060 alleles (0.028%); highest among the groups gnomAD compares: East Asian, 0.7%; 2 homozygotes.

Submissions (4):

Blueprint Genetics
Classification: Likely benign. Last evaluated: 2024-10-23. Review status: criteria provided, single submitter. Criteria: ACMG Guidelines, 2015. Collection method: clinical testing. Allele origin: germline.

Fulgent Genetics
Classification: Likely benign for Familial visceral amyloidosis, Ostertag type; Congenital afibrinogenemia; Familial dysfibrinogenemia. Last evaluated: 2022-04-10. Review status: criteria provided, single submitter. Criteria: ACMG Guidelines, 2015. Collection method: clinical testing. Allele origin: unknown.

Illumina Laboratory Services, Illumina
Classification: Benign for Familial visceral amyloidosis, Ostertag type. Last evaluated: 2018-01-13. Review status: criteria provided, single submitter. Criteria: ICSL Variant Classification Criteria 13 December 2019. Collection method: clinical testing. Allele origin: germline.
Comment: This variant was observed in the ICSL laboratory as part of a predisposition screen in an ostensibly healthy population. It had not been previously curated by ICSL or reported in the Human Gene Mutation Database (HGMD: prior to June 1st, 2018), and was therefore a candidate for classification through an automated scoring system. Utilizing variant allele frequency, disease prevalence and penetrance estimates, and inheritance mode, an automated score was calculated to assess if this variant is too frequent to cause the disease. Based on the score and internal cut-off values, a variant classified as benign is not then subjected to further curation. The score for this variant resulted in a classification of benign for this disease.

Illumina Laboratory Services, Illumina
Classification: Likely benign for Congenital afibrinogenemia. Last evaluated: 2018-01-13. Review status: criteria provided, single submitter. Criteria: ICSL Variant Classification Criteria 13 December 2019. Collection method: clinical testing. Allele origin: germline.
Comment: This variant was observed in the ICSL laboratory as part of a predisposition screen in an ostensibly healthy population. It had not been previously curated by ICSL or reported in the Human Gene Mutation Database (HGMD: prior to June 1st, 2018), and was therefore a candidate for classification through an automated scoring system. Utilizing variant allele frequency, disease prevalence and penetrance estimates, and inheritance mode, an automated score was calculated to assess if this variant is too frequent to cause the disease. Based on the score and internal cut-off values, a variant classified as likely benign is not then subjected to further curation. The score for this variant resulted in a classification of likely benign for this disease.

NM_021871.4(FGA):c.1199C>T (p.Ser400Phe)

Gene: FGA (fibrinogen alpha chain; minus strand). Cytogenetic location: 4q31.3.
Variant type: single nucleotide variant.
Coding change: c.1199C>T on transcript NM_021871.4 (MANE Select); coding-DNA position 1199, C replaced by T.
Protein change: p.Ser400Phe; replaces serine 400 with phenylalanine.
Molecular consequence: missense variant.
Genome position (GRCh38, 1-based): chr4:154,586,230, G>A on the plus strand (C>T on the coding strand, the complement: FGA is on the minus strand). VCF-style: chr4-154586230-G-A. GRCh37 (hg19) VCF-style: chr4-155507382-G-A.
Other names: c.1199C>T (LRG_557t2); c.1199C>T, p.Ser400Phe (NM_000508.5); short protein forms S400F.
Identifiers: ClinVar variation 347812 (VCV000347812.7), dbSNP rs184635235, ClinGen allele CA3115128.
Genomic context (GRCh38, chr4:154,586,230, plus strand): 5'-ACATTTCCTGACACCTCTTCAAATGTGCCCCAGTCTGGGTTGTTAGGCCTCGCGTTCCCA[G>A]AGCCTGGGCTATCTGGCCTAAAACTTCCAGATTCAGAGTGCCATTGTCCAGTACTACCAG-3'
Protein context (NP_068657.1, residues 390-410): SGSFRPDSPG[Ser400Phe]GNARPNNPDW